The following is an entry in ClinVar:

ClinVar aggregate classification (germline): Pathogenic/Likely pathogenic. Review status: criteria provided, multiple submitters, no conflicts (2 of 4 stars). 10 submissions from 10 submitters: Pathogenic (7); Likely pathogenic (2). 1 of the submissions does not count toward it. Last evaluated 2026-01-09.

Conditions:
Autosomal recessive osteopetrosis 1. Also called: TCIRG1-Related Osteopetrosis; TCIRG1-Related Autosomal Recessive Osteopetrosis; ALBERS-SCHONBERG DISEASE, AUTOSOMAL RECESSIVE. Identifiers: Orphanet 667, MedGen C1850127, MONDO:0009815, OMIM 259700.
TCIRG1-related disorder. Also called: TCIRG1-related condition.

Allele frequency attached by ClinVar (database versions not stated): gnomAD 0.00002; gnomAD exomes 0.00002; TOPMed 0.00002; ESP Exome Variant Server 0.00008.
gnomAD v4.1: 28 of 1,603,768 alleles (0.0017%); highest among the groups gnomAD compares: Non-Finnish European, 0.0024%; no homozygotes.

Submissions (10):

Labcorp Genetics (formerly Invitae), Labcorp
Classification: Pathogenic. Last evaluated: 2026-01-09. Review status: criteria provided, single submitter. Criteria: Invitae Variant Classification Sherloc (09022015). Collection method: clinical testing. Allele origin: germline.
Comment: This sequence change affects a donor splice site in intron 2 of the TCIRG1 gene. It is expected to disrupt RNA splicing. Variants that disrupt the donor or acceptor splice site typically lead to a loss of protein function (PMID: 16199547), and loss-of-function variants in TCIRG1 are known to be pathogenic (PMID: 10888887, 10942435, 11532986, 19448635). This variant is present in population databases (rs377303800, gnomAD 0.007%). Disruption of this splice site has been observed in individuals with autosomal recessive osteopetrosis (PMID: 11532986, 37107657). ClinVar contains an entry for this variant (Variation ID: 551945). Algorithms developed to predict the effect of sequence changes on RNA splicing suggest that this variant may disrupt the consensus splice site. For these reasons, this variant has been classified as Pathogenic.

Natera, Inc.
Classification: Pathogenic for Infantile malignant osteopetrosis. Last evaluated: 2026-01-02. Review status: criteria provided, single submitter. Criteria: Natera Variant Classification Schema (03/2026). Collection method: clinical testing. Allele origin: germline.
Comment: The c.117+1G>A variant in TCIRG1 is a canonical splice donor site variant predicted to affect pre-mRNA splicing, which may result in an abnormal transcript and altered protein product. This variant may result in a truncated or dysfunctional protein product. This variant is rare in the general population with a frequency below the threshold expected for the associated phenotype(s). This variant has been observed in one or more individuals affected with the associated recessive disease, as either homozygous or compound heterozygous with a second variant (PMID: 11532986, 15300850, 24108692, 37107657, 40130161). Given the available evidence, this variant is classified as Pathogenic.

Blueprint Genetics
Classification: Pathogenic for TCIRG1-related disorders. Last evaluated: 2024-09-03. Review status: criteria provided, single submitter. Criteria: ACMG Guidelines, 2015. Collection method: clinical testing. Allele origin: germline. Affected: yes. Observed: 5 variant alleles.

Baylor Genetics
Classification: Pathogenic for Autosomal recessive osteopetrosis 1. Last evaluated: 2024-03-16. Review status: criteria provided, single submitter. Criteria: ACMG Guidelines, 2015. Collection method: clinical testing. Allele origin: unknown.

Fulgent Genetics
Classification: Pathogenic for Autosomal recessive osteopetrosis 1. Last evaluated: 2024-02-06. Review status: criteria provided, single submitter. Criteria: ACMG Guidelines, 2015. Collection method: clinical testing. Allele origin: germline.

Clinical Genetics Laboratory, Skane University Hospital Lund
Classification: Likely pathogenic. Last evaluated: 2023-07-05. Review status: criteria provided, single submitter. Criteria: ACMG Guidelines, 2015. Collection method: clinical testing. Allele origin: germline. Affected: yes.

Revvity Omics, Revvity
Classification: Pathogenic for Autosomal recessive osteopetrosis 1. Last evaluated: 2023-06-27. Review status: criteria provided, single submitter. Criteria: ACMG Guidelines, 2015. Collection method: clinical testing. Allele origin: germline.

3billion
Classification: Pathogenic for Autosomal recessive osteopetrosis 1. Last evaluated: 2022-05-22. Review status: criteria provided, single submitter. Criteria: ACMG Guidelines, 2015. Collection method: clinical testing. Allele origin: germline. Affected: yes. Observed: 1 homozygote.
Comment: The variant is observed at an extremely low frequency in the gnomAD v2.1.1 dataset (total allele frequency: 0.003%). Canonical splice site: predicted to alter splicing and result in a loss or disruption of normal protein function. Multiple pathogenic loss-of-function variants are reported downstream of the variant. The variant has been reported to be associated with TCIRG1 related disorder (ClinVar ID: VCV000551945). Therefore, this variant is classified as pathogenic according to the recommendation of ACMG/AMP guideline.

Juno Genomics, Hangzhou Juno Genomics, Inc
Classification: Likely pathogenic for Autosomal recessive osteopetrosis 1. Review status: criteria provided, single submitter. Criteria: ACMG Guidelines, 2015. Collection method: clinical testing. Allele origin: germline.
Comment: Absent from controls (or at extremely low frequency if recessive) in Genome Aggregation Database.;Null variant in a gene where loss of function (LOF) is a known mechanism of disease.;For recessive disorders, detected in trans with a pathogenic variant.;Patient's phenotype or family history is highly specific for a disease with a single genetic etiology.

Counsyl
Classification: Likely pathogenic for Autosomal recessive osteopetrosis 1. Last evaluated: 2017-05-16. Review status: no assertion criteria provided. Collection method: clinical testing. Allele origin: unknown. Not counted in ClinVar's aggregate classification.

Literature cited by the submitters: PubMed 16199547 (cited by Labcorp Genetics (formerly Invitae), Labcorp); PubMed 10888887 (cited by Labcorp Genetics (formerly Invitae), Labcorp); PubMed 10942435 (cited by Labcorp Genetics (formerly Invitae), Labcorp); PubMed 11532986 (cited by 3 submitters); PubMed 19448635 (cited by Labcorp Genetics (formerly Invitae), Labcorp); PubMed 37107657 (cited by Labcorp Genetics (formerly Invitae), Labcorp and Natera, Inc.); PubMed 15300850 (cited by Natera, Inc.); PubMed 24108692 (cited by Natera, Inc.); PubMed 40130161 (cited by Natera, Inc.).

NM_006019.4(TCIRG1):c.117+1G>A

Gene: TCIRG1 (T cell immune regulator 1, ATPase H+ transporting V0 subunit a3; plus strand). Cytogenetic location: 11q13.2.
Variant type: single nucleotide variant.
Coding change: c.117+1G>A on transcript NM_006019.4 (MANE Select); the canonical splice donor site of the intron after coding-DNA position 117, G replaced by A.
Molecular consequence: splice donor variant.
Genome position (GRCh38, 1-based): chr11:68,041,389, G>A. VCF-style: chr11-68041389-G-A. GRCh37 (hg19) VCF-style: chr11-67808856-G-A.
Other names: c.-1133+1G>A (NM_001351059.2).
Identifiers: ClinVar variation 551945 (VCV000551945.27), dbSNP rs377303800, ClinGen allele CA224199757.